The following is an entry in ClinVar:

ClinVar aggregate classification (germline): Pathogenic (1 of 4 stars; one submission).

Submission:

Labcorp Genetics (formerly Invitae), Labcorp
Classification: Pathogenic. Last evaluated: 2024-10-16. Review status: criteria provided, single submitter. Criteria: Invitae Variant Classification Sherloc (09022015). Collection method: clinical testing. Allele origin: germline.
Comment: This sequence change creates a premature translational stop signal (p.Ala3170Glnfs*45) in the KMT2A gene. It is expected to result in an absent or disrupted protein product. Loss-of-function variants in KMT2A are known to be pathogenic (PMID: 22795537, 25810209, 29574747). This variant is not present in population databases (gnomAD no frequency). This variant has not been reported in the literature in individuals affected with KMT2A-related conditions. For these reasons, this variant has been classified as Pathogenic.

Literature cited by the submitters: PubMed 22795537; PubMed 25810209; PubMed 29574747.

NM_001197104.2(KMT2A):c.9507del (p.Ala3170fs)

Gene: KMT2A (lysine methyltransferase 2A; plus strand). Cytogenetic location: 11q23.3.
Variant type: Deletion.
Coding change: c.9507del on transcript NM_001197104.2 (MANE Select); coding-DNA position 9507, one base deleted (T; older notation c.9507delT).
Protein change: p.Ala3170fs; shifts the reading frame from alanine 3170.
Molecular consequence: frameshift variant.
Genome position (GRCh38, 1-based): chr11:118,505,399, T deleted. VCF-style (leftmost placement, unchanged base first): chr11-118505398-CT-C. GRCh37 (hg19) VCF-style: chr11-118376113-CT-C.
Other names: c.9597del, p.Ala3200fs (NM_001412597.1); c.9498del, p.Ala3167fs (NM_005933.4); short protein forms A3170fs, A3167fs, A3200fs.
Identifiers: ClinVar variation 2820471 (VCV002820471.3), dbSNP rs2497019712, ClinGen allele CA2739271705.